The following is an entry in ClinVar:

ClinVar aggregate classification (germline): Uncertain significance. Review status: criteria provided, multiple submitters, no conflicts (2 of 4 stars). 2 submissions from 2 submitters: Uncertain significance (2). Last evaluated 2025-09-14.

Conditions:
Tuberous sclerosis 2 (TSC2). Identifiers: Orphanet 805, MedGen C1860707, MONDO:0013199, OMIM 613254.
Hereditary cancer-predisposing syndrome. Also called: Neoplastic Syndromes, Hereditary; Hereditary neoplastic syndrome; Tumor predisposition; Hereditary Cancer Syndrome. Identifiers: Orphanet 140162, MedGen C0027672, MeSH D009386, MONDO:0015356.

Submissions (2):

Ambry Genetics
Classification: Uncertain significance for Hereditary cancer-predisposing syndrome. Last evaluated: 2025-09-14. Review status: criteria provided, single submitter. Criteria: Ambry Variant Classification Scheme 2023. Collection method: clinical testing. Allele origin: germline.
Comment: The p.L539F variant (also known as c.1615C>T), located in coding exon 15 of the TSC2 gene, results from a C to T substitution at nucleotide position 1615. The leucine at codon 539 is replaced by phenylalanine, an amino acid with highly similar properties. This amino acid position is highly conserved in available vertebrate species. In addition, the in silico prediction for this alteration is inconclusive. Since supporting evidence is limited at this time, the clinical significance of this alteration remains unclear.

Labcorp Genetics (formerly Invitae), Labcorp
Classification: Uncertain significance for Tuberous sclerosis 2. Last evaluated: 2019-04-19. Review status: criteria provided, single submitter. Criteria: Invitae Variant Classification Sherloc (09022015). Collection method: clinical testing. Allele origin: germline.
Comment: This sequence change replaces leucine with phenylalanine at codon 539 of the TSC2 protein (p.Leu539Phe). The leucine residue is highly conserved and there is a small physicochemical difference between leucine and phenylalanine. This variant is not present in population databases (ExAC no frequency). This variant has not been reported in the literature in individuals with TSC2-related conditions. Algorithms developed to predict the effect of missense changes on protein structure and function are either unavailable or do not agree on the potential impact of this missense change (SIFT: "Tolerated"; PolyPhen-2: "Probably Damaging"; Align-GVGD: "Class C0"). In summary, the available evidence is currently insufficient to determine the role of this variant in disease. Therefore, it has been classified as a Variant of Uncertain Significance.

NM_000548.5(TSC2):c.1615C>T (p.Leu539Phe)

Gene: TSC2 (TSC complex subunit 2; plus strand). Cytogenetic location: 16p13.3.
Variant type: single nucleotide variant.
Coding change: c.1615C>T on transcript NM_000548.5 (MANE Select); coding-DNA position 1615, C replaced by T.
Protein change: p.Leu539Phe; replaces leucine 539 with phenylalanine.
Molecular consequence: missense variant.
Genome position (GRCh38, 1-based): chr16:2,065,534, C>T. VCF-style: chr16-2065534-C-T. GRCh37 (hg19) VCF-style: chr16-2115535-C-T.
Other names: c.1615C>T, p.Leu539Phe (NM_001077183.3, NM_001114382.3, NM_001363528.2 and 3 more transcripts); c.1504C>T, p.Leu502Phe (NM_001318827.2); c.1468C>T, p.Leu490Phe (NM_001318829.2); c.1015C>T, p.Leu339Phe (NM_001318831.2); c.1648C>T, p.Leu550Phe (NM_001318832.2); short protein forms L490F, L539F, L339F, L502F, L550F.
Identifiers: ClinVar variation 844959 (VCV000844959.13), dbSNP rs2087226024, ClinGen allele CA394267644.